The following is an entry in ClinVar:

NM_030662.4(MAP2K2):c.1079T>C (p.Leu360Pro)

Gene: MAP2K2 (mitogen-activated protein kinase kinase 2; minus strand). Cytogenetic location: 19p13.3.
Variant type: single nucleotide variant.
Coding change: c.1079T>C on transcript NM_030662.4 (MANE Select); coding-DNA position 1079, T replaced by C.
Protein change: p.Leu360Pro; replaces leucine 360 with proline.
Molecular consequence: missense variant.
Genome position (GRCh38, 1-based): chr19:4,094,466, A>G on the plus strand (T>C on the coding strand, the complement: MAP2K2 is on the minus strand). VCF-style: chr19-4094466-A-G. GRCh37 (hg19) VCF-style: chr19-4094464-A-G.
Other names: short protein forms L360P.
Identifiers: ClinVar variation 3636792 (VCV003636792.2).

ClinVar aggregate classification (germline): Uncertain significance (1 of 4 stars; one submission).

Conditions:
RASopathy. Also called: Noonan spectrum disorder; rasopathies. Identifiers: Orphanet 536391, MedGen C5555857, MONDO:0021060.

Submission:

Labcorp Genetics (formerly Invitae), Labcorp
Classification: Uncertain significance for RASopathy. Last evaluated: 2024-11-21. Review status: criteria provided, single submitter. Criteria: Invitae Variant Classification Sherloc (09022015). Collection method: clinical testing. Allele origin: germline.
Comment: This sequence change replaces leucine, which is neutral and non-polar, with proline, which is neutral and non-polar, at codon 360 of the MAP2K2 protein (p.Leu360Pro). This variant is not present in population databases (gnomAD no frequency). This variant has not been reported in the literature in individuals affected with MAP2K2-related conditions. Invitae Evidence Modeling of protein sequence and biophysical properties (such as structural, functional, and spatial information, amino acid conservation, physicochemical variation, residue mobility, and thermodynamic stability) indicates that this missense variant is not expected to disrupt MAP2K2 protein function with a negative predictive value of 95%. In summary, the available evidence is currently insufficient to determine the role of this variant in disease. Therefore, it has been classified as a Variant of Uncertain Significance.